The following is an entry in ClinVar:

NM_017612.5(ZCCHC8):c.1430G>A (p.Arg477Gln)

Gene: ZCCHC8 (zinc finger CCHC-type containing 8; minus strand). Cytogenetic location: 12q24.31.
Variant type: single nucleotide variant.
Coding change: c.1430G>A on transcript NM_017612.5 (MANE Select); coding-DNA position 1430, G replaced by A.
Protein change: p.Arg477Gln; replaces arginine 477 with glutamine.
Molecular consequence: missense variant.
Genome position (GRCh38, 1-based): chr12:122,474,191, C>T on the plus strand (G>A on the coding strand, the complement: ZCCHC8 is on the minus strand). VCF-style: chr12-122474191-C-T. GRCh37 (hg19) VCF-style: chr12-122958738-C-T.
Other names: c.1199G>A, p.Arg400Gln (NM_001350935.2); c.1133G>A, p.Arg378Gln (NM_001350936.2); c.716G>A, p.Arg239Gln (NM_001350937.2, NM_001350938.2); short protein forms R477Q, R239Q, R378Q, R400Q.
Identifiers: ClinVar variation 1413538 (VCV001413538.8), dbSNP rs767163063, ClinGen allele CA6846174.

ClinVar aggregate classification (germline): Uncertain significance (1 of 4 stars; one submission).

Allele frequency attached by ClinVar (database versions not stated): gnomAD 0.00001; gnomAD exomes 0.00002 and 0.00003; TOPMed 0.00002; ExAC 0.00005.
gnomAD v4.1: 28 of 1,510,450 alleles (0.0019%); highest among the groups gnomAD compares: South Asian, 0.014%; no homozygotes.

Submission:

Labcorp Genetics (formerly Invitae), Labcorp
Classification: Uncertain significance. Last evaluated: 2025-03-11. Review status: criteria provided, single submitter. Criteria: Invitae Variant Classification Sherloc (09022015). Collection method: clinical testing. Allele origin: germline.
Comment: This sequence change replaces arginine, which is basic and polar, with glutamine, which is neutral and polar, at codon 477 of the ZCCHC8 protein (p.Arg477Gln). This variant is present in population databases (rs767163063, gnomAD 0.03%). This variant has not been reported in the literature in individuals affected with ZCCHC8-related conditions. ClinVar contains an entry for this variant (Variation ID: 1413538). Invitae Evidence Modeling of protein sequence and biophysical properties (such as structural, functional, and spatial information, amino acid conservation, physicochemical variation, residue mobility, and thermodynamic stability) indicates that this missense variant is not expected to disrupt ZCCHC8 protein function with a negative predictive value of 80%. Algorithms developed to predict the effect of sequence changes on RNA splicing suggest that this variant may create or strengthen a splice site. In summary, the available evidence is currently insufficient to determine the role of this variant in disease. Therefore, it has been classified as a Variant of Uncertain Significance.